The following is an entry in ClinVar:

NM_000212.3(ITGB3):c.1427A>T (p.Asn476Ile)

Gene: ITGB3 (integrin subunit beta 3; plus strand). Cytogenetic location: 17q21.32.
Variant type: single nucleotide variant.
Coding change: c.1427A>T on transcript NM_000212.3 (MANE Select); coding-DNA position 1427, A replaced by T.
Protein change: p.Asn476Ile; replaces asparagine 476 with isoleucine.
Molecular consequence: missense variant.
Genome position (GRCh38, 1-based): chr17:47,292,305, A>T. VCF-style: chr17-47292305-A-T. GRCh37 (hg19) VCF-style: chr17-45369671-A-T.
Other names: short protein forms N476I.
Identifiers: ClinVar variation 2419383 (VCV002419383.4), dbSNP rs145103142, ClinGen allele CA8623262.

ClinVar aggregate classification (germline): Uncertain significance (1 of 4 stars; one submission).

Allele frequency attached by ClinVar (database versions not stated): gnomAD exomes below 0.00001; ExAC 0.00002; gnomAD 0.00002; TOPMed 0.00003; ESP Exome Variant Server 0.00008; 1000 Genomes Project 0.00020; 1000 Genomes Project 30x 0.00031.
gnomAD v4.1: 6 of 1,614,212 alleles (0.00037%); highest among the groups gnomAD compares: African/African-American, 0.0053%; no homozygotes.

Submission:

Labcorp Genetics (formerly Invitae), Labcorp
Classification: Uncertain significance. Last evaluated: 2025-05-12. Review status: criteria provided, single submitter. Criteria: Invitae Variant Classification Sherloc (09022015). Collection method: clinical testing. Allele origin: germline.
Comment: This sequence change replaces asparagine, which is neutral and polar, with isoleucine, which is neutral and non-polar, at codon 476 of the ITGB3 protein (p.Asn476Ile). This variant is present in population databases (rs145103142, gnomAD 0.02%). This variant has not been reported in the literature in individuals affected with ITGB3-related conditions. ClinVar contains an entry for this variant (Variation ID: 2419383). Invitae Evidence Modeling of protein sequence and biophysical properties (such as structural, functional, and spatial information, amino acid conservation, physicochemical variation, residue mobility, and thermodynamic stability) indicates that this missense variant is expected to disrupt ITGB3 protein function with a positive predictive value of 95%. In summary, the available evidence is currently insufficient to determine the role of this variant in disease. Therefore, it has been classified as a Variant of Uncertain Significance.